The following is an entry in ClinVar:

NM_182931.3(KMT2E):c.5210A>G (p.Gln1737Arg)

Gene: KMT2E (lysine methyltransferase 2E (inactive); plus strand). Cytogenetic location: 7q22.3.
Variant type: single nucleotide variant.
Coding change: c.5210A>G on transcript NM_182931.3 (MANE Select); coding-DNA position 5210, A replaced by G.
Protein change: p.Gln1737Arg; replaces glutamine 1737 with arginine.
Molecular consequence: missense variant.
Genome position (GRCh38, 1-based): chr7:105,112,966, A>G. VCF-style: chr7-105112966-A-G. GRCh37 (hg19) VCF-style: chr7-104753413-A-G.
Other names: c.5084A>G, p.Gln1695Arg (NM_001410908.1); c.5210A>G, p.Gln1737Arg (NM_018682.4); short protein forms Q1695R, Q1737R.
Identifiers: ClinVar variation 2637252 (VCV002637252.3), dbSNP rs2536528316, ClinGen allele CA368794601.

ClinVar aggregate classification (germline): Uncertain significance (0 of 4 stars; one submission).

Conditions:
KMT2E-related disorder. Also called: KMT2E-related condition.

Submission:

PreventionGenetics, part of Exact Sciences
Classification: Uncertain significance for KMT2E-related condition. Last evaluated: 2024-01-25. Review status: no assertion criteria provided. Collection method: clinical testing. Allele origin: germline.
Comment: The KMT2E c.5210A>G variant is predicted to result in the amino acid substitution p.Gln1737Arg. To our knowledge, this variant has not been reported in the literature or in a large population database, indicating this variant is rare. At this time, the clinical significance of this variant is uncertain due to the absence of conclusive functional and genetic evidence.